The following is an entry in ClinVar:

NM_148923.4(CYB5A):c.81G>A (p.Trp27Ter)

Genes: CYB5A (cytochrome b5 type A; minus strand), LOC132090521 (Neanderthal introgressed variant-containing enhancer experimental_50301; plus strand). Cytogenetic location: 18q22.3.
Variant type: single nucleotide variant.
Coding change: c.81G>A on transcript NM_148923.4 (MANE Select); coding-DNA position 81, G replaced by A.
Protein change: p.Trp27Ter; replaces tryptophan 27 with a stop codon.
Molecular consequence: nonsense.
Genome position (GRCh38, 1-based): chr18:74,291,795, C>T on the plus strand (G>A on the coding strand, the complement: CYB5A is on the minus strand). VCF-style: chr18-74291795-C-T. GRCh37 (hg19) VCF-style: chr18-71959030-C-T.
Other names: c.81G>A, p.Trp27Ter (NM_001190807.3, NM_001914.4); short protein forms W27*.
Identifiers: ClinVar variation 524200 (VCV000524200.1), dbSNP rs1555691399, ClinGen allele CA403061639.

ClinVar aggregate classification (germline): Likely pathogenic. Review status: criteria provided, single submitter (1 of 4 stars). 2 submissions from 2 submitters: Likely pathogenic (1). 1 of the submissions does not count toward it. Last evaluated 2018-10-15.

Conditions:
Methemoglobinemia type 4. Also called: METHEMOGLOBINEMIA DUE TO DEFICIENCY OF CYTOCHROME b5. Identifiers: Orphanet 621, MedGen C4285231, MONDO:0009605, OMIM 250790.

Submissions (2):

SIB Swiss Institute of Bioinformatics
Classification: Likely pathogenic for Methemoglobinemia type 4. Last evaluated: 2018-10-15. Review status: criteria provided, single submitter. Criteria: ACMG Guidelines, 2015. Collection method: curation. Allele origin: germline.
Comment: This variant is interpreted as Likely Pathogenic, for Methemoglobinemia and ambiguous genitalia, autosomal recessive. The following ACMG Tag(s) were applied: PM2 => Absent from controls (or at extremely low frequency if recessive) in Exome Sequencing Project, 1000 Genomes Project, or Exome Aggregation Consortium. PVS1-Strong => PVS1 downgraded in strength to Strong.

OMIM
Classification: Pathogenic for METHEMOGLOBINEMIA AND AMBIGUOUS GENITALIA. Last evaluated: 2018-05-17. Review status: no assertion criteria provided. Collection method: literature only. Allele origin: germline. Not counted in ClinVar's aggregate classification.

Literature cited by the submitters: PubMed 20080843 (cited by OMIM).